The following is an entry in ClinVar:

ClinVar aggregate classification (germline): Uncertain significance (1 of 4 stars; one submission).

Conditions:
Inborn genetic diseases. Identifiers: MedGen C0950123, MeSH D030342.

gnomAD v4.1: 3 of 1,613,072 alleles (0.00019%); highest among the groups gnomAD compares: Non-Finnish European, 0.00025%; no homozygotes.

Submission:

Ambry Genetics
Classification: Uncertain significance for Inborn genetic diseases. Last evaluated: 2025-05-05. Review status: criteria provided, single submitter. Criteria: Ambry Variant Classification Scheme 2023. Collection method: clinical testing. Allele origin: germline.
Comment: The p.K1352N variant (also known as c.4056A>T), located in coding exon 1 of the SAMD9L gene, results from an A to T substitution at nucleotide position 4056. The lysine at codon 1352 is replaced by asparagine, an amino acid with similar properties. This amino acid position is conserved. In addition, this alteration is predicted to be tolerated by in silico analysis. Based on the available evidence, the clinical significance of this variant remains unclear.

NM_152703.5(SAMD9L):c.4056A>T (p.Lys1352Asn)

Gene: SAMD9L (sterile alpha motif domain containing 9 like; minus strand). Cytogenetic location: 7q21.2.
Variant type: single nucleotide variant.
Coding change: c.4056A>T on transcript NM_152703.5 (MANE Select); coding-DNA position 4056, A replaced by T.
Protein change: p.Lys1352Asn; replaces lysine 1352 with asparagine.
Molecular consequence: missense variant.
Genome position (GRCh38, 1-based): chr7:93,131,916, T>A on the plus strand (A>T on the coding strand, the complement: SAMD9L is on the minus strand). VCF-style: chr7-93131916-T-A. GRCh37 (hg19) VCF-style: chr7-92761229-T-A.
Other names: c.4056A>T, p.Lys1352Asn (NM_001303496.3, NM_001303497.3, NM_001303498.3 and 5 more transcripts); short protein forms K1352N.
Identifiers: ClinVar variation 3949902 (VCV003949902.1).